The following is an entry in ClinVar:

ClinVar aggregate classification (germline): Uncertain significance (1 of 4 stars; one submission).

Conditions:
Intellectual developmental disorder, autosomal dominant 51. Also called: MENTAL RETARDATION, AUTOSOMAL DOMINANT 51; Intellectual disability, autosomal dominant 51. Identifiers: Orphanet 684226, MedGen C4540474, MONDO:0030917, OMIM 617788.

Submission:

Laboratorio de Genetica e Diagnostico Molecular, Hospital Israelita Albert Einstein
Classification: Uncertain significance for Intellectual developmental disorder, autosomal dominant 51. Last evaluated: 2024-02-23. Review status: criteria provided, single submitter. Criteria: ACMG Guidelines, 2015. Collection method: clinical testing. Allele origin: germline. Affected: yes.
Comment: ACMG classification criteria: PVS1 strong, PM2 supporting

NM_017635.5(KMT5B):c.1229T>A (p.Leu410Ter)

Gene: KMT5B (lysine methyltransferase 5B; minus strand). Cytogenetic location: 11q13.2.
Variant type: single nucleotide variant.
Coding change: c.1229T>A on transcript NM_017635.5 (MANE Select); coding-DNA position 1229, T replaced by A.
Protein change: p.Leu410Ter; replaces leucine 410 with a stop codon.
Molecular consequence: nonsense.
Genome position (GRCh38, 1-based): chr11:68,159,117, A>T on the plus strand (T>A on the coding strand, the complement: KMT5B is on the minus strand). VCF-style: chr11-68159117-A-T. GRCh37 (hg19) VCF-style: chr11-67926584-A-T.
Other names: c.713T>A, p.Leu238Ter (NM_001300907.1, NM_001369428.1, NM_001369429.1 and 4 more transcripts); c.509T>A, p.Leu170Ter (NM_001300908.2); c.1229T>A, p.Leu410Ter (NM_001369426.1); short protein forms L170*, L238*, L410*.
Identifiers: ClinVar variation 4056570 (VCV004056570.1).
Genomic context (GRCh38, chr11:68,159,117, plus strand): 5'-GTTAGCTTAGATGAGGTAGAGTTGGAAGAAGCTGGAATTCTTGACATAGATTGCCTCGTT[A>T]ACGTTCTGCTCTTGCTATTCTTTTTTACGCCAACTGAAGATTTTCGGTTAGAAGCTGTAA-3'